The following is an entry in ClinVar:

ClinVar aggregate classification (germline): Uncertain significance. Review status: criteria provided, multiple submitters, no conflicts (2 of 4 stars). 4 submissions from 4 submitters: Uncertain significance (3). 1 of the submissions does not count toward it. Last evaluated 2025-08-30.

Conditions:
IFT172-related disorder. Also called: IFT172-related disorders; IFT172-related condition.
Retinitis pigmentosa 71 (RP71). Identifiers: Orphanet 791, MedGen C4225342, MONDO:0014618, OMIM 616394.
Short-rib thoracic dysplasia 10 with or without polydactyly (SRTD10). Identifiers: Orphanet 474, MedGen C3810175, MONDO:0014284, OMIM 615630.
Inborn genetic diseases. Identifiers: MedGen C0950123, MeSH D030342.

Allele frequency attached by ClinVar (database versions not stated): gnomAD 0.00001; gnomAD exomes 0.00001; TOPMed 0.00002.
gnomAD v4.1: 17 of 1,611,772 alleles (0.0011%); highest among the groups gnomAD compares: East Asian, 0.0022%; no homozygotes.

Submissions (4):

Ambry Genetics
Classification: Uncertain significance for Inborn genetic diseases. Last evaluated: 2025-08-30. Review status: criteria provided, single submitter. Criteria: Ambry Variant Classification Scheme 2023. Collection method: clinical testing. Allele origin: germline.

Labcorp Genetics (formerly Invitae), Labcorp
Classification: Uncertain significance for Retinitis pigmentosa 71; Short-rib thoracic dysplasia 10 with or without polydactyly. Last evaluated: 2022-08-16. Review status: criteria provided, single submitter. Criteria: Invitae Variant Classification Sherloc (09022015). Collection method: clinical testing. Allele origin: germline.
Comment: This sequence change replaces arginine, which is basic and polar, with tryptophan, which is neutral and slightly polar, at codon 1266 of the IFT172 protein (p.Arg1266Trp). This variant is present in population databases (no rsID available, gnomAD 0.006%). This variant has not been reported in the literature in individuals affected with IFT172-related conditions. ClinVar contains an entry for this variant (Variation ID: 1439023). Algorithms developed to predict the effect of missense changes on protein structure and function are either unavailable or do not agree on the potential impact of this missense change (SIFT: "Deleterious"; PolyPhen-2: "Possibly Damaging"; Align-GVGD: "Class C0"). In summary, the available evidence is currently insufficient to determine the role of this variant in disease. Therefore, it has been classified as a Variant of Uncertain Significance.

Blueprint Genetics
Classification: Uncertain significance. Last evaluated: 2021-02-04. Review status: criteria provided, single submitter. Criteria: ACMG Guidelines, 2015. Collection method: clinical testing. Allele origin: germline.

PreventionGenetics, part of Exact Sciences
Classification: Uncertain significance for IFT172-related condition. Last evaluated: 2024-05-29. Review status: no assertion criteria provided. Collection method: clinical testing. Allele origin: germline. Not counted in ClinVar's aggregate classification.
Comment: The IFT172 c.3796C>T variant is predicted to result in the amino acid substitution p.Arg1266Trp. To our knowledge, this variant has not been reported in the literature. This variant is reported in 0.0055% of alleles in individuals of East Asian descent in gnomAD. At this time, the clinical significance of this variant is uncertain due to the absence of conclusive functional and genetic evidence.

NM_015662.3(IFT172):c.3796C>T (p.Arg1266Trp)

Genes: IFT172 (intraflagellar transport 172; minus strand), LOC126806173 (BRD4-independent group 4 enhancer GRCh37_chr2:27676057-27677256; plus strand). Cytogenetic location: 2p23.3.
Variant type: single nucleotide variant.
Coding change: c.3796C>T on transcript NM_015662.3 (MANE Select); coding-DNA position 3796, C replaced by T.
Protein change: p.Arg1266Trp; replaces arginine 1266 with tryptophan.
Molecular consequence: missense variant.
Genome position (GRCh38, 1-based): chr2:27,453,655, G>A on the plus strand (C>T on the coding strand, the complement: IFT172 is on the minus strand). VCF-style: chr2-27453655-G-A. GRCh37 (hg19) VCF-style: chr2-27676522-G-A.
Other names: c.3796C>T (NM_015662.2, NM_015662.1); short protein forms R1266W.
Identifiers: ClinVar variation 1439023 (VCV001439023.6), dbSNP rs902724768, ClinGen allele CA44489949.
Genomic context (GRCh38, chr2:27,453,655, plus strand): 5'-CCCTGCCAATGCTGCCTGGACCTCTGGCCTCATACCTGGCCCCCTTCTTAGTAGCTTCCC[G>A]CTCATATTCTTCCTGCAGAGCCTCCAGCTGGCTGGGCACATAGTCCTTGCAGATGCGCAG-3'
Protein context (NP_056477.1, residues 1256-1276): QLEALQEEYE[Arg1266Trp]EATKKGARGV